The following is an entry in ClinVar:

NM_001365999.1(SZT2):c.4370TCT[1] (p.Phe1458del)

Gene: SZT2 (SZT2 subunit of KICSTOR complex; plus strand). Cytogenetic location: 1p34.2.
Variant type: Microsatellite.
Coding change: c.4370TCT[1] on transcript NM_001365999.1 (MANE Select); one copy of the 3-base unit TCT starting at c.4370; the reference has two copies in a row; one copy, 3 bases deleted.
Protein change: p.Phe1458del; deletes phenylalanine 1458.
Molecular consequence: inframe deletion.
Genome position (GRCh38, 1-based): chr1:43,430,075-43,430,077, TCT deleted; deleting any 3 consecutive bases within chr1:43,430,070-43,430,077 gives the same sequence; the position shown is the placement nearest the transcript's 3' end. VCF-style (leftmost placement, unchanged base first): chr1-43430069-ACTT-A. GRCh37 (hg19) VCF-style: chr1-43895740-ACTT-A.
Other names: c.4202_4204delTTC (NM_015284.3); c.4199TCT[1], p.Phe1401del (NM_015284.4); short protein forms F1401del, F1458del.
Identifiers: ClinVar variation 97056 (VCV000097056.8), dbSNP rs587777099, ClinGen allele CA224428.
Genomic context (GRCh38, chr1:43,430,069, plus strand): 5'-AGGAGAAGTTCCTAGAGATCAGTCGTCTCCACTTCCGCACAGTGCCTTCCAATCCCCACT[ACTT>A]CTTCTATTGCCCTCCATCCAGCAGGCGAGAAGTGAGTGGCTCTCTTCCTTACCTCTCTCG-3'

ClinVar aggregate classification (germline): Conflicting classifications of pathogenicity. Review status: criteria provided, conflicting classifications (1 of 4 stars). 3 submissions from 3 submitters: Likely pathogenic (1); Uncertain significance (1). 1 of the submissions does not count toward it. Last evaluated 2024-07-01.

Submissions (3):

Labcorp Genetics (formerly Invitae), Labcorp
Classification: Uncertain significance. Last evaluated: 2024-07-01. Review status: criteria provided, single submitter. Criteria: Invitae Variant Classification Sherloc (09022015). Collection method: clinical testing. Allele origin: germline.
Comment: This variant, c.4202_4204del, results in the deletion of 1 amino acid(s) of the SZT2 protein (p.Phe1401del), but otherwise preserves the integrity of the reading frame. This variant is not present in population databases (gnomAD no frequency). This variant has been observed in individual(s) with clinical features of SZT2-related conditions (PMID: 24324832). It has also been observed to segregate with disease in related individuals. ClinVar contains an entry for this variant (Variation ID: 97056). Experimental studies and prediction algorithms are not available or were not evaluated, and the functional significance of this variant is currently unknown. In summary, the available evidence is currently insufficient to determine the role of this variant in disease. Therefore, it has been classified as a Variant of Uncertain Significance.

GeneDx
Classification: Likely pathogenic. Last evaluated: 2023-02-25. Review status: criteria provided, single submitter. Criteria: GeneDx Variant Classification Process June 2021. Collection method: clinical testing. Allele origin: germline. Affected: yes.
Comment: Not observed at significant frequency in large population cohorts (gnomAD); In-frame deletion of one amino acids in a non-repeat region; In silico analysis supports a deleterious effect on protein structure/function; This variant is associated with the following publications: (PMID: 23932106, 24784157, 27248490, 24324832, 30818181, 28556953, 29696782)

OMIM
Classification: Uncertain significance for VARIANT OF UNKNOWN SIGNIFICANCE. Last evaluated: 2013-09-05. Review status: no assertion criteria provided. Collection method: literature only. Allele origin: germline. Not counted in ClinVar's aggregate classification.

Literature cited by the submitters: PubMed 24324832 (cited by Labcorp Genetics (formerly Invitae), Labcorp and OMIM); PubMed 23932106 (cited by OMIM).